The following is an entry in ClinVar:

ClinVar aggregate classification (germline): Uncertain significance (1 of 4 stars; one submission).

Submission:

GeneDx
Classification: Uncertain significance. Last evaluated: 2024-06-24. Review status: criteria provided, single submitter. Criteria: GeneDx Variant Classification Process June 2021. Collection method: clinical testing. Allele origin: germline. Affected: yes.
Comment: Not observed at significant frequency in large population cohorts (gnomAD); In silico analysis supports that this missense variant has a deleterious effect on protein structure/function; Has not been previously published as pathogenic or benign to our knowledge

NM_001365276.2(TNXB):c.894C>A (p.Asn298Lys)

Gene: TNXB (tenascin XB; minus strand). Cytogenetic location: 6p21.33.
Variant type: single nucleotide variant.
Coding change: c.894C>A on transcript NM_001365276.2 (MANE Select); coding-DNA position 894, C replaced by A.
Protein change: p.Asn298Lys; replaces asparagine 298 with lysine.
Molecular consequence: missense variant.
Genome position (GRCh38, 1-based): chr6:32,096,959, G>T on the plus strand (C>A on the coding strand, the complement: TNXB is on the minus strand). VCF-style: chr6-32096959-G-T. GRCh37 (hg19) VCF-style: chr6-32064736-G-T.
Other names: c.894C>A, p.Asn298Lys (NM_001428335.1, NM_019105.8); short protein forms N298K.
Identifiers: ClinVar variation 3392790 (VCV003392790.1).